The following is an entry in ClinVar:

ClinVar aggregate classification (germline): Uncertain significance (1 of 4 stars; one submission).

Submission:

Labcorp Genetics (formerly Invitae), Labcorp
Classification: Uncertain significance. Last evaluated: 2022-08-23. Review status: criteria provided, single submitter. Criteria: Invitae Variant Classification Sherloc (09022015). Collection method: clinical testing. Allele origin: germline.
Comment: This sequence change replaces proline, which is neutral and non-polar, with leucine, which is neutral and non-polar, at codon 393 of the DNAJC21 protein (p.Pro393Leu). This variant is not present in population databases (gnomAD no frequency). This variant has not been reported in the literature in individuals affected with DNAJC21-related conditions. Algorithms developed to predict the effect of missense changes on protein structure and function (SIFT, PolyPhen-2, Align-GVGD) all suggest that this variant is likely to be tolerated. Algorithms developed to predict the effect of sequence changes on RNA splicing suggest that this variant may disrupt the consensus splice site. In summary, the available evidence is currently insufficient to determine the role of this variant in disease. Therefore, it has been classified as a Variant of Uncertain Significance.

NM_001012339.3(DNAJC21):c.1178C>T (p.Pro393Leu)

Gene: DNAJC21 (DnaJ heat shock protein family (Hsp40) member C21; plus strand). Cytogenetic location: 5p13.2.
Variant type: single nucleotide variant.
Coding change: c.1178C>T on transcript NM_001012339.3 (MANE Select); coding-DNA position 1178, C replaced by T.
Protein change: p.Pro393Leu; replaces proline 393 with leucine.
Molecular consequence: missense variant.
Genome position (GRCh38, 1-based): chr5:34,945,796, C>T. VCF-style: chr5-34945796-C-T. GRCh37 (hg19) VCF-style: chr5-34945901-C-T.
Other names: c.1217C>T, p.Pro406Leu (NM_001348420.2); c.1178C>T, p.Pro393Leu (NM_194283.4); short protein forms P393L, P406L.
Identifiers: ClinVar variation 1999013 (VCV001999013.4), dbSNP rs1294435321, ClinGen allele CA359419716.